The following is an entry in ClinVar:

NC_000008.10:g.(?_42958682)_(42978030_?)dup

Gene: POMK (protein O-mannose kinase; plus strand). Cytogenetic location: 8p11.21.
Variant type: Duplication.
Identifiers: ClinVar variation 655750 (VCV000655750.3).

ClinVar aggregate classification (germline): Uncertain significance (1 of 4 stars; one submission).

Conditions:
Muscular dystrophy-dystroglycanopathy (congenital with brain and eye anomalies), type a, 12 (MDDGA12). Also called: WALKER-WARBURG SYNDROME OR MUSCLE-EYE-BRAIN DISEASE, POMK-RELATED. Identifiers: Orphanet 899, MedGen C3808964, MONDO:0014101, OMIM 615249.
Limb-girdle muscular dystrophy due to POMK deficiency. Also called: Muscular dystrophy-dystroglycanopathy (limb-girdle), type c, 12; MUSCULAR DYSTROPHY-DYSTROGLYCANOPATHY, LIMB-GIRDLE, POMK-RELATED. Identifiers: Orphanet 445110, MedGen C4015184, MONDO:0014489, OMIM 616094.

Submission:

Labcorp Genetics (formerly Invitae), Labcorp
Classification: Uncertain significance for Muscular dystrophy-dystroglycanopathy (congenital with brain and eye anomalies), type a, 12; Muscular dystrophy-dystroglycanopathy (limb-girdle), type c, 12. Last evaluated: 2019-04-24. Review status: criteria provided, single submitter. Criteria: Invitae Variant Classification Sherloc (09022015). Collection method: clinical testing. Allele origin: germline.
Comment: This variant results in a copy number gain of the genomic region encompassing the full coding sequence of the POMK gene. The boundaries of this event are unknown as they extend beyond the assayed region for this gene and therefore may encompass additional genes. As the precise location of this event is unknown, it may be in tandem or it may be located elsewhere in the genome. This variant has not been reported in the literature in individuals with POMK-related disease. Experimental studies are not available for this variant, and the functional significance of additional copies of this gene is currently unknown. In summary, the available evidence is currently insufficient to determine the role of this variant in disease. Therefore, it has been classified as a Variant of Uncertain Significance.